The following is an entry in ClinVar:

NM_001034853.2(RPGR):c.2613_2614del (p.Glu872fs)

Gene: RPGR (retinitis pigmentosa GTPase regulator; minus strand). Cytogenetic location: Xp11.4.
Variant type: Deletion.
Coding change: c.2613_2614del on transcript NM_001034853.2 (MANE Select); coding-DNA positions 2613 to 2614, 2 bases deleted (GG; older notation c.2613_2614delGG).
Protein change: p.Glu872fs; shifts the reading frame from glutamic acid 872.
Molecular consequence: frameshift variant. On other transcripts: intron variant (8).
Genome position (GRCh38, 1-based): chrX:38,286,385-38,286,386, CC deleted on the plus strand (GG on the coding strand, the reverse complement: RPGR is on the minus strand); deleting any 2 consecutive bases within chrX:38,286,385-38,286,388 gives the same sequence; the c. name uses the placement nearest the transcript's 3' end. VCF-style (leftmost placement, unchanged base first): chrX-38286384-TCC-T. GRCh37 (hg19) VCF-style: chrX-38145637-TCC-T.
Other names: c.1569+4573_1569+4574del (NM_001367249.1, NM_001367250.1); c.1902+708_1902+709del (NM_001367245.1); c.1386+4573_1386+4574del (NM_001367251.1); c.1719+708_1719+709del (NM_001367246.1); c.1572+4573_1572+4574del (NM_001367247.1); c.1905+708_1905+709del (NM_000328.3); c.1602+4573_1602+4574del (NM_001367248.1); short protein forms E872fs.
Identifiers: ClinVar variation 2737197 (VCV002737197.4), dbSNP rs2519789017, ClinGen allele CA2695232635.

ClinVar aggregate classification (germline): Pathogenic. Review status: criteria provided, multiple submitters, no conflicts (2 of 4 stars). 2 submissions from 2 submitters: Pathogenic (2). Last evaluated 2023-12-09.

Conditions:
RPGR-related disorder. Also called: RPGR-related condition.
Primary ciliary dyskinesia. Also called: Ciliary dyskinesia. Identifiers: Orphanet 244, MedGen C0008780, MONDO:0016575, HP:0012265.

Submissions (2):

Labcorp Genetics (formerly Invitae), Labcorp
Classification: Pathogenic for Primary ciliary dyskinesia. Last evaluated: 2023-12-09. Review status: criteria provided, single submitter. Criteria: Invitae Variant Classification Sherloc (09022015). Collection method: clinical testing. Allele origin: germline.
Comment: This sequence change creates a premature translational stop signal (p.Glu872Glyfs*206) in the RPGR (ORF15) gene. While this is not anticipated to result in nonsense mediated decay, it is expected to disrupt the last 281 amino acid(s) of the RPGR (ORF15) protein. The frequency data for this variant in the population databases is considered unreliable, as metrics indicate insufficient coverage at this position in the gnomAD database. This variant has not been reported in the literature in individuals affected with RPGR (ORF15)-related conditions. This variant disrupts a region of the RPGR (ORF15) protein in which other variant(s) (p.Leu1130Lysfs*13) have been determined to be pathogenic (PMID: 22264887). This suggests that this is a clinically significant region of the protein, and that variants that disrupt it are likely to be disease-causing. For these reasons, this variant has been classified as Pathogenic.

Blueprint Genetics
Classification: Pathogenic for RPGR-related disorders. Last evaluated: 2021-10-26. Review status: criteria provided, single submitter. Criteria: ACMG Guidelines, 2015. Collection method: clinical testing. Allele origin: germline. Affected: yes. Observed: 2 variant alleles.

Literature cited by the submitters: PubMed 22264887 (cited by Labcorp Genetics (formerly Invitae), Labcorp).